The following is an entry in ClinVar:

ClinVar aggregate classification (germline): Uncertain significance (1 of 4 stars; one submission).

Conditions:
Singleton-Merten syndrome 1 (SGMRT1). Also called: Widened medullary cavities of bone, aortic calcification, abnormal dentition, and muscular weakness; Syndrome of widened medullary cavities of the metacarpals and phalanges, aortic calcification and abnormal dentition. Identifiers: Orphanet 85191, MedGen C4225427, MONDO:0024535, OMIM 182250.
Aicardi-Goutieres syndrome 7 (AGS7). Identifiers: Orphanet 51, MedGen C3888244, MONDO:0014367, OMIM 615846.

Submission:

Labcorp Genetics (formerly Invitae), Labcorp
Classification: Uncertain significance for Aicardi-Goutieres syndrome 7; Singleton-Merten syndrome 1. Last evaluated: 2024-03-12. Review status: criteria provided, single submitter. Criteria: Invitae Variant Classification Sherloc (09022015). Collection method: clinical testing. Allele origin: germline.
Comment: This sequence change falls in intron 13 of the IFIH1 gene. It does not directly change the encoded amino acid sequence of the IFIH1 protein. It affects a nucleotide within the consensus splice site. This variant is not present in population databases (gnomAD no frequency). This variant has not been reported in the literature in individuals affected with IFIH1-related conditions. Variants that disrupt the consensus splice site are a relatively common cause of aberrant splicing (PMID: 17576681, 9536098). Algorithms developed to predict the effect of sequence changes on RNA splicing suggest that this variant may disrupt the consensus splice site. In summary, the available evidence is currently insufficient to determine the role of this variant in disease. Therefore, it has been classified as a Variant of Uncertain Significance.

Literature cited by the submitters: PubMed 17576681; PubMed 9536098.

NM_022168.4(IFIH1):c.2616+3A>T

Gene: IFIH1 (interferon induced with helicase C domain 1; minus strand). Cytogenetic location: 2q24.2.
Variant type: single nucleotide variant.
Coding change: c.2616+3A>T on transcript NM_022168.4 (MANE Select); 3 bases into the intron after coding-DNA position 2616, A replaced by T.
Molecular consequence: intron variant.
Genome position (GRCh38, 1-based): chr2:162,272,223, T>A on the plus strand (A>T on the coding strand, the complement: IFIH1 is on the minus strand). VCF-style: chr2-162272223-T-A. GRCh37 (hg19) VCF-style: chr2-163128733-T-A.
Identifiers: ClinVar variation 2950602 (VCV002950602.3), dbSNP rs1417711279, ClinGen allele CA2740095763.